The following is an entry in ClinVar:

ClinVar aggregate classification (germline): Pathogenic (1 of 4 stars; one submission).

Conditions:
Lowe syndrome (OCRL). Also called: LOWE OCULOCEREBRORENAL SYNDROME; PHOSPHATIDYLINOSITOL 4,5-BISPHOSPHATE 5-PHOSPHATASE DEFICIENCY; Oculocerebrorenal Syndrome. Identifiers: Orphanet 534, MedGen C0028860, MONDO:0010645, OMIM 309000.

Submission:

Labcorp Genetics (formerly Invitae), Labcorp
Classification: Pathogenic for Lowe syndrome. Last evaluated: 2025-12-30. Review status: criteria provided, single submitter. Criteria: Invitae Variant Classification Sherloc (09022015). Collection method: clinical testing. Allele origin: germline.
Comment: This sequence change creates a premature translational stop signal (p.Gln452*) in the OCRL gene. It is expected to result in an absent or disrupted protein product. Loss-of-function variants in OCRL are known to be pathogenic (PMID: 19390221, 21031565, 22381590). This variant is not present in population databases (gnomAD no frequency). This variant has not been reported in the literature in individuals affected with OCRL-related conditions. For these reasons, this variant has been classified as Pathogenic.

Literature cited by the submitters: PubMed 19390221; PubMed 21031565; PubMed 22381590.

NM_000276.4(OCRL):c.1354C>T (p.Gln452Ter)

Gene: OCRL (OCRL inositol polyphosphate-5-phosphatase; plus strand). Cytogenetic location: Xq26.1.
Variant type: single nucleotide variant.
Coding change: c.1354C>T on transcript NM_000276.4 (MANE Select); coding-DNA position 1354, C replaced by T.
Protein change: p.Gln452Ter; replaces glutamine 452 with a stop codon.
Molecular consequence: nonsense.
Genome position (GRCh38, 1-based): chrX:129,565,881, C>T. VCF-style: chrX-129565881-C-T. GRCh37 (hg19) VCF-style: chrX-128699858-C-T.
Other names: c.1357C>T, p.Gln453Ter (NM_001318784.2); c.1354C>T, p.Gln452Ter (NM_001587.4); short protein forms Q453*, Q452*.
Identifiers: ClinVar variation 4733727 (VCV004733727.1).